The following is an entry in ClinVar:

NM_001042492.3(NF1):c.7262A>C (p.Asn2421Thr)

Gene: NF1 (neurofibromin 1; plus strand). Cytogenetic location: 17q11.2.
Variant type: single nucleotide variant.
Coding change: c.7262A>C on transcript NM_001042492.3 (MANE Select); coding-DNA position 7262, A replaced by C.
Protein change: p.Asn2421Thr; replaces asparagine 2421 with threonine.
Molecular consequence: missense variant.
Genome position (GRCh38, 1-based): chr17:31,349,192, A>C. VCF-style: chr17-31349192-A-C. GRCh37 (hg19) VCF-style: chr17-29676210-A-C.
Other names: c.7199A>C, p.Asn2400Thr (NM_000267.4); short protein forms N2400T, N2421T.
Identifiers: ClinVar variation 457830 (VCV000457830.5), dbSNP rs774339063, ClinGen allele CA399016796.

ClinVar aggregate classification (germline): Uncertain significance (1 of 4 stars; one submission).

Conditions:
Neurofibromatosis, type 1 (NF1). Also called: VON RECKLINGHAUSEN DISEASE; NEUROFIBROMATOSIS, TYPE I, SOMATIC; Peripheral type neurofibromatosis; Neurofibromatosis, type I. Identifiers: Orphanet 636, MedGen C0027831, MONDO:0018975, OMIM 162200. Disease mechanism: loss of function.

Submission:

Labcorp Genetics (formerly Invitae), Labcorp
Classification: Uncertain significance for Neurofibromatosis, type 1. Last evaluated: 2017-06-25. Review status: criteria provided, single submitter. Criteria: Invitae Variant Classification Sherloc (09022015). Collection method: clinical testing. Allele origin: germline.
Comment: Algorithms developed to predict the effect of missense changes on protein structure and function (SIFT, PolyPhen-2, Align-GVGD) all suggest that this variant is likely to be tolerated, but these predictions have not been confirmed by published functional studies and their clinical significance is uncertain. This variant has not been reported in the literature in individuals with NF1-related disease. This variant is not present in population databases (ExAC no frequency). This sequence change replaces asparagine with threonine at codon 2400 of the NF1 protein (p.Asn2400Thr). The asparagine residue is moderately conserved and there is a small physicochemical difference between asparagine and threonine. In summary, the available evidence is currently insufficient to determine the role of this variant in disease. Therefore, it has been classified as a Variant of Uncertain Significance.